The following is an entry in ClinVar:

NM_016247.4(IMPG2):c.829-2A>G

Gene: IMPG2 (interphotoreceptor matrix proteoglycan 2; minus strand). Cytogenetic location: 3q12.3.
Variant type: single nucleotide variant.
Coding change: c.829-2A>G on transcript NM_016247.4 (MANE Select); the canonical splice acceptor site of the intron before coding-DNA position 829, A replaced by G.
Molecular consequence: splice acceptor variant.
Genome position (GRCh38, 1-based): chr3:101,269,575, T>C on the plus strand (A>G on the coding strand, the complement: IMPG2 is on the minus strand). VCF-style: chr3-101269575-T-C. GRCh37 (hg19) VCF-style: chr3-100988419-T-C.
Identifiers: ClinVar variation 3672824 (VCV003672824.2).

ClinVar aggregate classification (germline): Likely pathogenic (1 of 4 stars; one submission).

gnomAD v4.1: 3 of 1,556,796 alleles (0.00019%); highest among the groups gnomAD compares: Non-Finnish European, 0.00027%; no homozygotes.

Submission:

Labcorp Genetics (formerly Invitae), Labcorp
Classification: Likely pathogenic. Last evaluated: 2025-07-29. Review status: criteria provided, single submitter. Criteria: Invitae Variant Classification Sherloc (09022015). Collection method: clinical testing. Allele origin: germline.
Comment: This sequence change affects an acceptor splice site in intron 7 of the IMPG2 gene. It is expected to disrupt RNA splicing. Variants that disrupt the donor or acceptor splice site typically lead to a loss of protein function (PMID: 16199547), and loss-of-function variants in IMPG2 are known to be pathogenic (PMID: 20673862). This variant is not present in population databases (gnomAD no frequency). This variant has not been reported in the literature in individuals affected with IMPG2-related conditions. ClinVar contains an entry for this variant (Variation ID: 3672824). Algorithms developed to predict the effect of sequence changes on RNA splicing suggest that this variant may disrupt the consensus splice site. In summary, the currently available evidence indicates that the variant is pathogenic, but additional data are needed to prove that conclusively. Therefore, this variant has been classified as Likely Pathogenic.

Literature cited by the submitters: PubMed 16199547; PubMed 20673862.